The following is an entry in ClinVar:

ClinVar aggregate classification (germline): Uncertain significance (1 of 4 stars; one submission).

Submission:

GeneDx
Classification: Uncertain significance. Last evaluated: 2019-04-29. Review status: criteria provided, single submitter. Criteria: GeneDx Variant Classification Process June 2021. Collection method: clinical testing. Allele origin: germline. Affected: yes.
Comment: Has not been previously published as pathogenic or benign to our knowledge; Does not affect a cysteine residue within a calcium-binding EGF-like domain of the FBN1 gene; cysteine substitutions in the calcium-binding EGF-like domains represent the majority of pathogenic missense changes associated with FBN1 related disorders (Collod-Beroud et al., 2003).; In silico analysis, which includes protein predictors and evolutionary conservation, supports a deleterious effect; Not observed in large population cohorts (Lek et al., 2016)

NM_000138.5(FBN1):c.2891A>T (p.Asp964Val)

Gene: FBN1 (fibrillin 1; minus strand). Cytogenetic location: 15q21.1.
Variant type: single nucleotide variant.
Coding change: c.2891A>T on transcript NM_000138.5 (MANE Select); coding-DNA position 2891, A replaced by T.
Protein change: p.Asp964Val; replaces aspartic acid 964 with valine.
Molecular consequence: missense variant.
Genome position (GRCh38, 1-based): chr15:48,490,042, T>A on the plus strand (A>T on the coding strand, the complement: FBN1 is on the minus strand). VCF-style: chr15-48490042-T-A. GRCh37 (hg19) VCF-style: chr15-48782239-T-A.
Other names: short protein forms D964V.
Identifiers: ClinVar variation 1304329 (VCV001304329.2), dbSNP rs2141297501, ClinGen allele CA392329994.